The following is an entry in ClinVar:

NM_020717.5(SHROOM4):c.2480A>G (p.Asp827Gly)

Gene: SHROOM4 (shroom family member 4; minus strand). Cytogenetic location: Xp11.22.
Variant type: single nucleotide variant.
Coding change: c.2480A>G on transcript NM_020717.5 (MANE Select); coding-DNA position 2480, A replaced by G.
Protein change: p.Asp827Gly; replaces aspartic acid 827 with glycine.
Molecular consequence: missense variant. On other transcripts: non-coding transcript variant (4).
Genome position (GRCh38, 1-based): chrX:50,633,593, T>C on the plus strand (A>G on the coding strand, the complement: SHROOM4 is on the minus strand). VCF-style: chrX-50633593-T-C. GRCh37 (hg19) VCF-style: chrX-50376593-T-C.
Other names: short protein forms D827G.
Identifiers: ClinVar variation 2216301 (VCV002216301.4), dbSNP rs146203956, ClinGen allele CA10416119.

ClinVar aggregate classification (germline): Uncertain significance. Review status: criteria provided, multiple submitters, no conflicts (2 of 4 stars). 2 submissions from 2 submitters: Uncertain significance (2). Last evaluated 2026-02-19.

Conditions:
Intellectual developmental disorder, X-linked, syndromic, Stocco dos Santos type. Also called: STOCCO DOS SANTOS X-LINKED MENTAL RETARDATION SYNDROME; Stocco dos Santos syndrome; X-linked intellectual disability, Stocco dos Santos type. Identifiers: Orphanet 85288, MedGen C1845530, MONDO:0010325, OMIM 300434.

Allele frequency attached by ClinVar (database versions not stated): gnomAD exomes 0.00001; ExAC 0.00006; gnomAD 0.00018; TOPMed 0.00027; ESP Exome Variant Server 0.00038; 1000 Genomes Project 30x 0.00042; 1000 Genomes Project 0.00053.
gnomAD v4.1: 35 of 1,210,333 alleles (0.0029%); highest among the groups gnomAD compares: African/African-American, 0.058%; no homozygotes.

Submissions (2):

Dasa
Classification: Uncertain significance for Intellectual developmental disorder, X-linked, syndromic, Stocco dos Santos type. Last evaluated: 2026-02-19. Review status: criteria provided, single submitter. Criteria: DASA Assertion Criteria. Collection method: clinical testing. Allele origin: germline.
Comment: NM_020717.5(SHROOM4):c.2480A>G (p.Asp827Gly) is a missense variant that results in the substitution of aspartic acid with glycine. This variant is rare in population databases. The currently available literature and clinical evidence are not sufficient to establish a definitive association between this variant and the reported condition. Therefore, this variant is classified as a variant of uncertain significance.

Ambry Genetics
Classification: Uncertain significance. Last evaluated: 2022-01-10. Review status: criteria provided, single submitter. Criteria: Ambry Variant Classification Scheme 2023. Collection method: clinical testing. Allele origin: germline.